The following is an entry in ClinVar:

NM_019892.6(INPP5E):c.679C>G (p.Leu227Val)

Gene: INPP5E (inositol polyphosphate-5-phosphatase E; minus strand). Cytogenetic location: 9q34.3.
Variant type: single nucleotide variant.
Coding change: c.679C>G on transcript NM_019892.6 (MANE Select); coding-DNA position 679, C replaced by G.
Protein change: p.Leu227Val; replaces leucine 227 with valine.
Molecular consequence: missense variant.
Genome position (GRCh38, 1-based): chr9:136,438,741, G>C on the plus strand (C>G on the coding strand, the complement: INPP5E is on the minus strand). VCF-style: chr9-136438741-G-C. GRCh37 (hg19) VCF-style: chr9-139333193-G-C.
Other names: c.679C>G, p.Leu227Val (NM_001318502.2); short protein forms L227V.
Identifiers: ClinVar variation 4997537 (VCV004997537.1).

ClinVar aggregate classification (germline): Uncertain significance (1 of 4 stars; one submission).

Conditions:
INPP5E-related disorder. Also called: INPP5E-related condition.

gnomAD v4.1: 3 of 1,611,294 alleles (0.00019%); highest among the groups gnomAD compares: Admixed American, 0.005%; no homozygotes.

Submission:

PreventionGenetics, part of Exact Sciences
Classification: Uncertain significance for INPP5E-related condition. Last evaluated: 2025-07-28. Review status: criteria provided, single submitter. Criteria: ACMG Guidelines, 2015. Collection method: clinical testing. Allele origin: germline.
Comment: The INPP5E c.679C>G variant is predicted to result in the amino acid substitution p.Leu227Val. To our knowledge, this variant has not been reported in the literature. This variant is reported in 0.0086% of alleles in individuals of Latino descent in gnomAD. At this time, the clinical significance of this variant is uncertain due to the absence of conclusive functional and genetic evidence.